The following is an entry in ClinVar:

NM_001173464.2(KIF21A):c.1038A>G (p.Ala346=)

Gene: KIF21A (kinesin family member 21A; minus strand). Cytogenetic location: 12q12.
Variant type: single nucleotide variant.
Coding change: c.1038A>G on transcript NM_001173464.2 (MANE Select); coding-DNA position 1038, A replaced by G.
Protein change: p.Ala346=; no amino-acid change (alanine 346 retained).
Molecular consequence: synonymous variant.
Genome position (GRCh38, 1-based): chr12:39,358,355, T>C on the plus strand (A>G on the coding strand, the complement: KIF21A is on the minus strand). VCF-style: chr12-39358355-T-C. GRCh37 (hg19) VCF-style: chr12-39752157-T-C.
Other names: c.1038A>G, p.Ala346= (NM_001173463.2, NM_001173465.2, NM_017641.4).
Identifiers: ClinVar variation 749587 (VCV000749587.9), dbSNP rs148354450, ClinGen allele CA6511122.
Genomic context (GRCh38, chr12:39,358,355, plus strand): 5'-ATTGGCGTATTTCAGGGTGTTTAACGTTTCCATAAAGTCTCTGTCTGAAGGGCTGACACA[T>C]GCTATCATGATTGTTTGGCTGAAAGTTACAAATAATAGTTAGGCTTACACATAAAAGCAC-3'
Protein context (NP_001166935.1, residues 336-356): LGGNSQTIMI[Ala346=]CVSPSDRDFM

ClinVar aggregate classification (germline): Benign/Likely benign. Review status: criteria provided, multiple submitters, no conflicts (2 of 4 stars). 3 submissions from 3 submitters: Benign (1); Likely benign (2). Last evaluated 2026-04-01.

Conditions:
Congenital fibrosis of extraocular muscles type 1. Also called: BLEPHAROPTOSIS WITH ABSENT EYE MOVEMENTS; OPHTHALMOPLEGIA, CONGENITAL; CFEOM3B; FEOM1 LOCUS. Identifiers: MedGen C1851102, MONDO:0021083, OMIM 135700.

Allele frequency attached by ClinVar (database versions not stated): ExAC 0.00034; gnomAD exomes 0.00035 and 0.00060; TOPMed 0.00037; ESP Exome Variant Server 0.00038; gnomAD 0.00040 and 0.00041.
gnomAD v4.1: 937 of 1,614,090 alleles (0.058%); highest among the groups gnomAD compares: Non-Finnish European, 0.072%; 2 homozygotes.

Submissions (3):

CeGaT Center for Human Genetics Tuebingen
Classification: Likely benign. Last evaluated: 2026-04-01. Review status: criteria provided, single submitter. Criteria: CeGaT Center For Human Genetics Tuebingen Variant Classification Criteria Version 2. Collection method: clinical testing. Allele origin: germline. Affected: yes. Observed: 1 variant allele.
Comment: KIF21A: BP4, BP7

Labcorp Genetics (formerly Invitae), Labcorp
Classification: Likely benign. Last evaluated: 2018-06-04. Review status: criteria provided, single submitter. Criteria: Invitae Variant Classification Sherloc (09022015). Collection method: clinical testing. Allele origin: germline.

Illumina Laboratory Services, Illumina
Classification: Benign for Congenital fibrosis of extraocular muscles type 1. Last evaluated: 2018-01-12. Review status: criteria provided, single submitter. Criteria: ICSL Variant Classification Criteria 13 December 2019. Collection method: clinical testing. Allele origin: germline.
Comment: This variant was observed in the ICSL laboratory as part of a predisposition screen in an ostensibly healthy population. It had not been previously curated by ICSL or reported in the Human Gene Mutation Database (HGMD: prior to June 1st, 2018), and was therefore a candidate for classification through an automated scoring system. Utilizing variant allele frequency, disease prevalence and penetrance estimates, and inheritance mode, an automated score was calculated to assess if this variant is too frequent to cause the disease. Based on the score and internal cut-off values, a variant classified as benign is not then subjected to further curation. The score for this variant resulted in a classification of benign for this disease.